The following is an entry in ClinVar:

ClinVar aggregate classification (germline): Conflicting classifications of pathogenicity. Review status: criteria provided, conflicting classifications (1 of 4 stars). 5 submissions from 5 submitters: Uncertain significance (3); Likely benign (1). 1 of the submissions does not count toward it. Last evaluated 2025-06-07.

Conditions:
Familial dysautonomia. Also called: HSAN III; FD. Identifiers: Orphanet 1764, MedGen C0013364, MONDO:0009131, OMIM 223900. Disease mechanism: loss of function.
Medulloblastoma (MDB). Also called: Medulloblastoma, somatic; MEDULLOBLASTOMA PREDISPOSITION SYNDROME. Identifiers: Orphanet 616, MedGen C0025149, MeSH D008527, MONDO:0007959, OMIM 155255, HP:0002885.

Allele frequency attached by ClinVar (database versions not stated): gnomAD 0.00001; gnomAD exomes 0.00001 and 0.00002; TOPMed 0.00001; ExAC 0.00003; ESP Exome Variant Server 0.00008.
gnomAD v4.1: 29 of 1,608,748 alleles (0.0018%); highest among the groups gnomAD compares: Non-Finnish European, 0.0025%; no homozygotes.

Submissions (5):

Ambry Genetics
Classification: Likely benign. Last evaluated: 2025-06-07. Review status: criteria provided, single submitter. Criteria: Ambry Variant Classification Scheme 2023. Collection method: clinical testing. Allele origin: germline.

Labcorp Genetics (formerly Invitae), Labcorp
Classification: Uncertain significance. Last evaluated: 2022-02-05. Review status: criteria provided, single submitter. Criteria: Invitae Variant Classification Sherloc (09022015). Collection method: clinical testing. Allele origin: germline.
Comment: This sequence change replaces phenylalanine, which is neutral and non-polar, with leucine, which is neutral and non-polar, at codon 670 of the ELP1 protein (p.Phe670Leu). This variant is present in population databases (rs376699949, gnomAD 0.004%). This variant has not been reported in the literature in individuals affected with ELP1-related conditions. ClinVar contains an entry for this variant (Variation ID: 364568). Algorithms developed to predict the effect of missense changes on protein structure and function output the following: SIFT: "Tolerated"; PolyPhen-2: "Benign"; Align-GVGD: "Class C0". The leucine amino acid residue is found in multiple mammalian species, which suggests that this missense change does not adversely affect protein function. In summary, the available evidence is currently insufficient to determine the role of this variant in disease. Therefore, it has been classified as a Variant of Uncertain Significance.

Fulgent Genetics
Classification: Uncertain significance for Medulloblastoma; Familial dysautonomia. Last evaluated: 2021-12-29. Review status: criteria provided, single submitter. Criteria: ACMG Guidelines, 2015. Collection method: clinical testing. Allele origin: unknown.

Illumina Laboratory Services, Illumina
Classification: Uncertain significance for Familial dysautonomia. Last evaluated: 2018-01-13. Review status: criteria provided, single submitter. Criteria: ICSL Variant Classification Criteria 13 December 2019. Collection method: clinical testing. Allele origin: germline.

Natera, Inc.
Classification: Uncertain significance for Familial dysautonomia. Last evaluated: 2020-09-16. Review status: no assertion criteria provided. Collection method: clinical testing. Allele origin: germline. Not counted in ClinVar's aggregate classification.

NM_003640.5(ELP1):c.2008T>C (p.Phe670Leu)

Gene: ELP1 (elongator acetyltransferase complex subunit 1; minus strand). Cytogenetic location: 9q31.3.
Variant type: single nucleotide variant.
Coding change: c.2008T>C on transcript NM_003640.5 (MANE Select); coding-DNA position 2008, T replaced by C.
Protein change: p.Phe670Leu; replaces phenylalanine 670 with leucine.
Molecular consequence: missense variant.
Genome position (GRCh38, 1-based): chr9:108,901,431, A>G on the plus strand (T>C on the coding strand, the complement: ELP1 is on the minus strand). VCF-style: chr9-108901431-A-G. GRCh37 (hg19) VCF-style: chr9-111663711-A-G.
Other names: c.1666T>C, p.Phe556Leu (NM_001318360.2); c.961T>C, p.Phe321Leu (NM_001330749.2); c.2008T>C (LRG_251t1); short protein forms F670L, F321L, F556L.
Identifiers: ClinVar variation 364568 (VCV000364568.11), dbSNP rs376699949, ClinGen allele CA5174818.